The following is an entry in ClinVar:

ClinVar aggregate classification (germline): Uncertain significance. Review status: criteria provided, multiple submitters, no conflicts (2 of 4 stars). 2 submissions from 2 submitters: Uncertain significance (2). Last evaluated 2024-04-01.

Conditions:
Shprintzen-Goldberg syndrome (SGS). Also called: Marfanoid disorder with craniosynostosis type 1; Marfanoid craniosynostosis syndrome; Shprintzen-Goldberg marfanoid syndrome; SHPRINTZEN-GOLDBERG CRANIOSYNOSTOSIS SYNDROME; CRANIOSYNOSTOSIS WITH ARACHNODACTYLY AND ABDOMINAL HERNIAS. Identifiers: Orphanet 2462, MedGen C1321551, MONDO:0008426, OMIM 182212.

Allele frequency attached by ClinVar (database versions not stated): gnomAD 0.00001.

Submissions (2):

Daryl Scott Lab, Baylor College of Medicine
Classification: Uncertain significance for Shprintzen-Goldberg syndrome. Last evaluated: 2024-04-01. Review status: criteria provided, single submitter. Criteria: ACMG Guidelines, 2015. Collection method: clinical testing. Allele origin: unknown. Observed: 1 heterozygote.
Comment: PM2, PP3

Baylor Genetics
Classification: Uncertain significance for Shprintzen-Goldberg syndrome. Last evaluated: 2018-07-31. Review status: criteria provided, single submitter. Criteria: ACMG Guidelines, 2015. Collection method: clinical testing. Allele origin: unknown. Affected: yes.
Comment: This variant was determined to be of uncertain significance according to ACMG Guidelines, 2015 [PMID:25741868].

NM_003036.4(SKI):c.2057C>A (p.Ala686Asp)

Gene: SKI (SKI proto-oncogene; plus strand). Cytogenetic location: 1p36.32.
Variant type: single nucleotide variant.
Coding change: c.2057C>A on transcript NM_003036.4 (MANE Select); coding-DNA position 2057, C replaced by A.
Protein change: p.Ala686Asp; replaces alanine 686 with aspartic acid.
Molecular consequence: missense variant.
Genome position (GRCh38, 1-based): chr1:2,306,635, C>A. VCF-style: chr1-2306635-C-A. GRCh37 (hg19) VCF-style: chr1-2238074-C-A.
Other names: short protein forms A686D.
Identifiers: ClinVar variation 1032105 (VCV001032105.2), dbSNP rs1216955747, ClinGen allele CA337959646.